The following is an entry in ClinVar:

NM_004369.4(COL6A3):c.7162+2dup

Gene: COL6A3 (collagen type VI alpha 3 chain; minus strand). Cytogenetic location: 2q37.3.
Variant type: Duplication.
Coding change: c.7162+2dup on transcript NM_004369.4 (MANE Select); the canonical splice donor site of the intron after coding-DNA position 7162, one base duplicated (T; older notation c.7162+2dupT).
Molecular consequence: splice donor variant.
Genome position (GRCh38, 1-based): chr2:237,345,056, A duplicated on the plus strand (T on the coding strand, the reverse complement: COL6A3 is on the minus strand). VCF-style (leftmost placement, unchanged base first): chr2-237345055-T-TA. GRCh37 (hg19) VCF-style: chr2-238253698-T-TA.
Other names: c.5341+2dup (NM_057166.5); c.6544+2dup (NM_057167.4).
Identifiers: ClinVar variation 2897845 (VCV002897845.4), dbSNP rs1390452429, ClinGen allele CA766630702.

ClinVar aggregate classification (germline): Conflicting classifications of pathogenicity. Review status: criteria provided, conflicting classifications (1 of 4 stars). 2 submissions from 2 submitters: Likely pathogenic (1); Uncertain significance (1). Last evaluated 2024-04-02.

Conditions:
Bethlem myopathy 1A. Also called: MYOPATHY, BENIGN CONGENITAL, WITH CONTRACTURES; Bethlem myopathy 1; Bethlem Muscular Dystrophy. Identifiers: Orphanet 610, MedGen CN029274, MONDO:0024530, OMIM 158810.

Allele frequency attached by ClinVar (database versions not stated): gnomAD 0.00001; TOPMed 0.00001.

Submissions (2):

GeneDx
Classification: Likely pathogenic. Last evaluated: 2024-04-02. Review status: criteria provided, single submitter. Criteria: GeneDx Variant Classification Process June 2021. Collection method: clinical testing. Allele origin: germline. Affected: yes.
Comment: Intronic +5 splice site variant in a gene for which loss of function is a known mechanism of disease, and splice predictors support a deleterious effect; Not observed at significant frequency in large population cohorts (gnomAD); Has not been previously published as pathogenic or benign to our knowledge

Labcorp Genetics (formerly Invitae), Labcorp
Classification: Uncertain significance for Bethlem myopathy 1A. Last evaluated: 2023-11-28. Review status: criteria provided, single submitter. Criteria: Invitae Variant Classification Sherloc (09022015). Collection method: clinical testing. Allele origin: germline.
Comment: This sequence change falls in intron 34 of the COL6A3 gene. It does not directly change the encoded amino acid sequence of the COL6A3 protein. It affects a nucleotide within the consensus splice site. This variant is not present in population databases (gnomAD no frequency). This variant has not been reported in the literature in individuals affected with COL6A3-related conditions. Variants that disrupt the consensus splice site are a relatively common cause of aberrant splicing (PMID: 17576681, 9536098). Algorithms developed to predict the effect of sequence changes on RNA splicing suggest that this variant may disrupt the consensus splice site. In summary, the available evidence is currently insufficient to determine the role of this variant in disease. Therefore, it has been classified as a Variant of Uncertain Significance.

Literature cited by the submitters: PubMed 17576681 (cited by Labcorp Genetics (formerly Invitae), Labcorp); PubMed 9536098 (cited by Labcorp Genetics (formerly Invitae), Labcorp).